The following is an entry in ClinVar:

NM_001372051.1(CASP8):c.1310A>T (p.Asp437Val)

Gene: CASP8 (caspase 8; plus strand). Cytogenetic location: 2q33.1.
Variant type: single nucleotide variant.
Coding change: c.1310A>T on transcript NM_001372051.1 (MANE Select); coding-DNA position 1310, A replaced by T.
Protein change: p.Asp437Val; replaces aspartic acid 437 with valine.
Molecular consequence: missense variant. On other transcripts: non-coding transcript variant (22).
Genome position (GRCh38, 1-based): chr2:201,286,464, A>T. VCF-style: chr2-201286464-A-T. GRCh37 (hg19) VCF-style: chr2-202151187-A-T.
Other names: c.1265A>T, p.Asp422Val (NM_001080124.2, NM_001400658.1, NM_001400659.1 and 5 more transcripts); c.1487A>T, p.Asp496Val (NM_001080125.2); c.1361A>T, p.Asp454Val (NM_001228.5); c.1442A>T, p.Asp481Val (NM_001400642.1); c.1343A>T, p.Asp448Val (NM_001400645.1); c.1310A>T, p.Asp437Val (NM_001400648.1, NM_001400651.1, NM_001400653.1 and 5 more transcripts); c.1241A>T, p.Asp414Val (NM_001400664.1); c.1235A>T, p.Asp412Val (NM_001400665.1); and 7 more; short protein forms D422V, D454V, D496V, D437V, D223V, D232V, D238V, D288V.
Identifiers: ClinVar variation 648682 (VCV000648682.9), dbSNP rs561729612, ClinGen allele CA2053803.
Genomic context (GRCh38, chr2:201,286,464, plus strand): 5'-GTTCATCAGTTGCTTTCCCCCACAGACAGTCACAATATTATGTGATGTATTTCAGAGGCG[A>T]TGATATTCTCACCATCCTGACTGAAGTGAACTATGAAGTAAGCAACAAGGATGACAAGAA-3'
Protein context (NP_001358980.1, residues 427-447): QSLRERCPRG[Asp437Val]DILTILTEVN

ClinVar aggregate classification (germline): Uncertain significance (1 of 4 stars; one submission).

Conditions:
Autoimmune lymphoproliferative syndrome type 2B. Also called: AUTOIMMUNE LYMPHOPROLIFERATIVE SYNDROME, TYPE IIB. Identifiers: Orphanet 275517, MedGen C1846545, MONDO:0011804, OMIM 607271.

Allele frequency attached by ClinVar (database versions not stated): gnomAD exomes below 0.00001; ExAC 0.00001; TOPMed 0.00001; gnomAD 0.00002 and 0.00003; 1000 Genomes Project 30x 0.00016; 1000 Genomes Project 0.00020.
gnomAD v4.1: 6 of 1,612,770 alleles (0.00037%); highest among the groups gnomAD compares: South Asian, 0.0022%; no homozygotes.

Submission:

Labcorp Genetics (formerly Invitae), Labcorp
Classification: Uncertain significance for Autoimmune lymphoproliferative syndrome type 2B. Last evaluated: 2022-11-15. Review status: criteria provided, single submitter. Criteria: Invitae Variant Classification Sherloc (09022015). Collection method: clinical testing. Allele origin: germline.
Comment: In summary, the available evidence is currently insufficient to determine the role of this variant in disease. Therefore, it has been classified as a Variant of Uncertain Significance. Advanced modeling of protein sequence and biophysical properties (such as structural, functional, and spatial information, amino acid conservation, physicochemical variation, residue mobility, and thermodynamic stability) performed at Invitae indicates that this missense variant is not expected to disrupt CASP8 protein function. ClinVar contains an entry for this variant (Variation ID: 648682). This variant has not been reported in the literature in individuals affected with CASP8-related conditions. This variant is present in population databases (rs561729612, gnomAD 0.003%). This sequence change replaces aspartic acid, which is acidic and polar, with valine, which is neutral and non-polar, at codon 454 of the CASP8 protein (p.Asp454Val).